The following is an entry in ClinVar:

NM_000384.3(APOB):c.4796G>A (p.Arg1599His)

Gene: APOB (apolipoprotein B; minus strand). Cytogenetic location: 2p24.1.
Variant type: single nucleotide variant.
Coding change: c.4796G>A on transcript NM_000384.3 (MANE Select); coding-DNA position 4796, G replaced by A.
Protein change: p.Arg1599His; replaces arginine 1599 with histidine.
Molecular consequence: missense variant.
Genome position (GRCh38, 1-based): chr2:21,012,072, C>T on the plus strand (G>A on the coding strand, the complement: APOB is on the minus strand). VCF-style: chr2-21012072-C-T. GRCh37 (hg19) VCF-style: chr2-21234944-C-T.
Other names: short protein forms R1599H.
Identifiers: ClinVar variation 544123 (VCV000544123.20), dbSNP rs746414462, ClinGen allele CA061290.

ClinVar aggregate classification (germline): Conflicting classifications of pathogenicity. Review status: criteria provided, conflicting classifications (1 of 4 stars). 4 submissions from 4 submitters: Uncertain significance (2); Benign (1); Likely benign (1). Last evaluated 2025-10-07.

Conditions:
Cardiovascular phenotype. Identifiers: MedGen CN230736.
Familial hypobetalipoproteinemia 1. Also called: Hypobetalipoproteinemia, normotriglyceridemic; Acanthocytosis with hypobetalipoproteinemia; APOB-Related Familial Hypobetalipoproteinemia. Identifiers: MedGen C4551990, MONDO:0014252, OMIM 615558.
Hypercholesterolemia, autosomal dominant, type B (FHCL2). Also called: Familial hypercholesterolemia 2; APOB-Related Familial Hypercholesterolemia, Autosomal Dominant; HYPERCHOLESTEROLEMIA, FAMILIAL, DUE TO LIGAND-DEFECTIVE APOLIPOPROTEIN B; Hyperlipoproteinemia Type IIb; Familial Hypercholesterolemia Type B; APOLIPOPROTEIN B-100, FAMILIAL DEFECTIVE. Identifiers: MedGen C1704417, MONDO:0007751, OMIM 144010.

Allele frequency attached by ClinVar (database versions not stated): TOPMed 0.00006.
gnomAD v4.1: 61 of 1,614,030 alleles (0.0038%); highest among the groups gnomAD compares: East Asian, 0.047%; no homozygotes.

Submissions (4):

Labcorp Genetics (formerly Invitae), Labcorp
Classification: Likely benign for Familial hypobetalipoproteinemia 1; Hypercholesterolemia, autosomal dominant, type B. Last evaluated: 2025-10-07. Review status: criteria provided, single submitter. Criteria: Invitae Variant Classification Sherloc (09022015). Collection method: clinical testing. Allele origin: germline.

GeneDx
Classification: Uncertain significance. Last evaluated: 2025-03-19. Review status: criteria provided, single submitter. Criteria: GeneDx Variant Classification Process June 2021. Collection method: clinical testing. Allele origin: germline. Affected: yes.
Comment: In silico analysis supports that this missense variant has a deleterious effect on protein structure/function; Also known as p.R1572H; Identified in a cohort of patients with acute aortic dissection in published literature (PMID: 30056620); This variant is associated with the following publications: (PMID: 30056620)

Ambry Genetics
Classification: Benign for Cardiovascular phenotype. Last evaluated: 2024-06-18. Review status: criteria provided, single submitter. Criteria: Ambry Variant Classification Scheme 2023. Collection method: clinical testing. Allele origin: germline.

Molecular Diagnostic Laboratory for Inherited Cardiovascular Disease, Montreal Heart Institute
Classification: Uncertain significance. Last evaluated: 2019-09-17. Review status: criteria provided, single submitter. Criteria: ACMG Guidelines, 2015. Collection method: clinical testing. Allele origin: germline. Affected: yes.

Literature cited by the submitters: PubMed 30056620 (cited by Ambry Genetics).